The following is an entry in ClinVar:

ClinVar aggregate classification (germline): Likely benign (1 of 4 stars; one submission).

Allele frequency attached by ClinVar (database versions not stated): gnomAD 0.00375 and 0.00393; TOPMed 0.00430; 1000 Genomes Project 0.00519; 1000 Genomes Project 30x 0.00578.
gnomAD v4.1: 562 of 152,314 alleles (0.37%); highest among the groups gnomAD compares: African/African-American, 1.3%; 4 homozygotes.

Submission:

GeneDx
Classification: Likely benign. Last evaluated: 2018-06-14. Review status: criteria provided, single submitter. Criteria: GeneDx Variant Classification (06012015). Collection method: clinical testing. Allele origin: germline. Affected: yes.
Comment: This variant is considered likely benign or benign based on one or more of the following criteria: it is a conservative change, it occurs at a poorly conserved position in the protein, it is predicted to be benign by multiple in silico algorithms, and/or has population frequency not consistent with disease.

NM_001999.4(FBN2):c.2303-284T>C

Gene: FBN2 (fibrillin 2; minus strand). Cytogenetic location: 5q23.3.
Variant type: single nucleotide variant.
Coding change: c.2303-284T>C on transcript NM_001999.4 (MANE Select); 284 bases into the intron before coding-DNA position 2303, T replaced by C.
Molecular consequence: intron variant.
Genome position (GRCh38, 1-based): chr5:128,365,009, A>G on the plus strand (T>C on the coding strand, the complement: FBN2 is on the minus strand). VCF-style: chr5-128365009-A-G. GRCh37 (hg19) VCF-style: chr5-127700702-A-G.
Identifiers: ClinVar variation 672910 (VCV000672910.1), dbSNP rs114102715, ClinGen allele CA127032317.
Genomic context (GRCh38, chr5:128,365,009, plus strand): 5'-CTGGCAGAAATTCAAAGAGTTAAATCACGAAATATGCCAGCATTTATGATGACATTAATA[A>G]AGACAATTTATAGGCTGTTGGCTCCAAATCCAAAGGAAAACTCGAGTTGATAGATATTGT-3'